The following is an entry in ClinVar:

ClinVar aggregate classification (germline): Benign (1 of 4 stars; one submission).

Conditions:
Essential fructosuria. Also called: KETOHEXOKINASE DEFICIENCY; HEPATIC FRUCTOKINASE DEFICIENCY. Identifiers: Orphanet 2056, MedGen C0268160, MONDO:0009252, OMIM 229800.

Allele frequency attached by ClinVar (database versions not stated): gnomAD 0.00004 and 0.00072; 1000 Genomes Project 30x 0.00796; 1000 Genomes Project 0.00739; TOPMed 0.00005.
gnomAD v4.1: 1,059 of 572,902 alleles (0.18%); highest among the groups gnomAD compares: South Asian, 1.7%; 23 homozygotes.

Submission:

Illumina Laboratory Services, Illumina
Classification: Benign for Essential fructosuria. Last evaluated: 2018-01-13. Review status: criteria provided, single submitter. Criteria: ICSL Variant Classification Criteria 13 December 2019. Collection method: clinical testing. Allele origin: germline.
Comment: This variant was observed in the ICSL laboratory as part of a predisposition screen in an ostensibly healthy population. It had not been previously curated by ICSL or reported in the Human Gene Mutation Database (HGMD: prior to June 1st, 2018), and was therefore a candidate for classification through an automated scoring system. Utilizing variant allele frequency, disease prevalence and penetrance estimates, and inheritance mode, an automated score was calculated to assess if this variant is too frequent to cause the disease. Based on the score and internal cut-off values, a variant classified as benign is not then subjected to further curation. The score for this variant resulted in a classification of benign for this disease.

NM_006488.3(KHK):c.*554C>T

Genes: CGREF1 (cell growth regulator with EF-hand domain 1; minus strand), KHK (ketohexokinase; plus strand). Cytogenetic location: 2p23.3.
Variant type: single nucleotide variant.
Coding change: c.*554C>T on transcript NM_006488.3 (MANE Select); 554 bases downstream of the stop codon, C replaced by T.
Molecular consequence: 3 prime UTR variant. On other transcripts: intron variant (2).
Genome position (GRCh38, 1-based): chr2:27,100,304, C>T. VCF-style: chr2-27100304-C-T. GRCh37 (hg19) VCF-style: chr2-27323172-C-T.
Other names: c.*554C>T (NM_000221.3); c.*20+112G>A (NM_001301324.2); c.343-464G>A (NM_001166240.2).
Identifiers: ClinVar variation 898433 (VCV000898433.6), dbSNP rs558714226, ClinGen allele CA44472533.